The following is an entry in ClinVar:

NM_001365276.2(TNXB):c.7381G>A (p.Glu2461Lys)

Gene: TNXB (tenascin XB; minus strand). Cytogenetic location: 6p21.33.
Variant type: single nucleotide variant.
Coding change: c.7381G>A on transcript NM_001365276.2 (MANE Select); coding-DNA position 7381, G replaced by A.
Protein change: p.Glu2461Lys; replaces glutamic acid 2461 with lysine.
Molecular consequence: missense variant.
Genome position (GRCh38, 1-based): chr6:32,061,508, C>T on the plus strand (G>A on the coding strand, the complement: TNXB is on the minus strand). VCF-style: chr6-32061508-C-T. GRCh37 (hg19) VCF-style: chr6-32029285-C-T.
Other names: c.8122G>A, p.Glu2708Lys (NM_001428335.1); c.7381G>A, p.Glu2461Lys (NM_019105.8); short protein forms E2461K, E2708K.
Identifiers: ClinVar variation 3227317 (VCV003227317.1), dbSNP rs573923194, ClinGen allele CA136908142.

ClinVar aggregate classification (germline): Uncertain significance (1 of 4 stars; one submission).

Conditions:
Cardiovascular phenotype. Identifiers: MedGen CN230736.

Allele frequency attached by ClinVar (database versions not stated): gnomAD exomes below 0.00001; gnomAD 0.00001; 1000 Genomes Project 30x 0.00016; 1000 Genomes Project 0.00020.
gnomAD v4.1: 4 of 1,613,640 alleles (0.00025%); highest among the groups gnomAD compares: Non-Finnish European, 0.00025%; no homozygotes.

Submission:

Ambry Genetics
Classification: Uncertain significance for Cardiovascular phenotype. Last evaluated: 2023-09-15. Review status: criteria provided, single submitter. Criteria: Ambry Variant Classification Scheme 2023. Collection method: clinical testing. Allele origin: germline.
Comment: The p.E2461K variant (also known as c.7381G>A), located in coding exon 20 of the TNXB gene, results from a G to A substitution at nucleotide position 7381. The glutamic acid at codon 2461 is replaced by lysine, an amino acid with similar properties. This amino acid position is conserved. In addition, this alteration is predicted to be tolerated by in silico analysis. Since supporting evidence is limited at this time, the clinical significance of this alteration remains unclear.